The following is an entry in ClinVar:

ClinVar aggregate classification (germline): Uncertain significance (1 of 4 stars; one submission).

Conditions:
Marfan syndrome (MFS). Also called: MARFAN SYNDROME, TYPE I; Marfan syndrome type 1; Marfan's syndrome; FBN1-Related Marfan Syndrome; Marfan syndrome, classic. Identifiers: Orphanet 284963, Orphanet 558, MedGen C0024796, MONDO:0007947, OMIM 154700.

Submission:

All of Us Research Program, National Institutes of Health
Classification: Uncertain significance for Marfan syndrome. Last evaluated: 2024-04-16. Review status: criteria provided, single submitter. Criteria: ACMG Guidelines, 2015. Collection method: clinical testing. Allele origin: germline. Inheritance: Autosomal dominant inheritance. Observed: 2 variant alleles, 2 heterozygotes.
Comment: This missense variant replaces glutamic acid with alanine at codon 994 of the FBN1 protein. Computational prediction suggests that this variant may have deleterious impact on protein structure and function (internally defined REVEL score threshold >= 0.7, PMID: 27666373). To our knowledge, functional studies have not been reported for this variant. This variant has not been reported in individuals affected with FBN1-related disorders in the literature. This variant has not been identified in the general population by the Genome Aggregation Database (gnomAD). The available evidence is insufficient to determine the role of this variant in disease conclusively. Therefore, this variant is classified as a Variant of Uncertain Significance.

This study involves interpretation of variants in research participants for the purpose of population health screening. Participant phenotype was not available at the time of variant classification. Additional details can be found in publication PMID: 35346344, PMCID: PMC8962531

NM_000138.5(FBN1):c.2981A>C (p.Glu994Ala)

Gene: FBN1 (fibrillin 1; minus strand). Cytogenetic location: 15q21.1.
Variant type: single nucleotide variant.
Coding change: c.2981A>C on transcript NM_000138.5 (MANE Select); coding-DNA position 2981, A replaced by C.
Protein change: p.Glu994Ala; replaces glutamic acid 994 with alanine.
Molecular consequence: missense variant.
Genome position (GRCh38, 1-based): chr15:48,489,952, T>G on the plus strand (A>C on the coding strand, the complement: FBN1 is on the minus strand). VCF-style: chr15-48489952-T-G. GRCh37 (hg19) VCF-style: chr15-48782149-T-G.
Other names: c.2981A>C, p.Glu994Ala (NM_001406716.1); short protein forms E994A.
Identifiers: ClinVar variation 3386826 (VCV003386826.1).
Genomic context (GRCh38, chr15:48,489,952, plus strand): 5'-AATCCGGGTCCTCTCGGACACAGCTCCTCGTACTCAGGAGTATTTCTCATGGGACACTCC[T>G]CGCATTCCTCAGTACCCCAGGCTGCCCCGACGGAGCAGCAGCAGGCGTCCATGCGGTGGC-3'
Protein context (NP_000129.3, residues 984-1004): VGAAWGTEEC[Glu994Ala]ECPMRNTPEY